The following is an entry in ClinVar:

NM_004168.4(SDHA):c.175G>T (p.Asp59Tyr)

Gene: SDHA (succinate dehydrogenase complex flavoprotein subunit A; plus strand). Cytogenetic location: 5p15.33.
Variant type: single nucleotide variant.
Coding change: c.175G>T on transcript NM_004168.4 (MANE Select); coding-DNA position 175, G replaced by T.
Protein change: p.Asp59Tyr; replaces aspartic acid 59 with tyrosine.
Molecular consequence: missense variant.
Genome position (GRCh38, 1-based): chr5:224,384, G>T. VCF-style: chr5-224384-G-T. GRCh37 (hg19) VCF-style: chr5-224499-G-T.
Other names: c.175G>T, p.Asp59Tyr (NM_001294332.2, NM_001330758.2); short protein forms D59Y.
Identifiers: ClinVar variation 5029194 (VCV005029194.1).

ClinVar aggregate classification (germline): Uncertain significance (1 of 4 stars; one submission).

Conditions:
Hereditary cancer-predisposing syndrome. Also called: Neoplastic Syndromes, Hereditary; Tumor predisposition; Hereditary neoplastic syndrome; Hereditary Cancer Syndrome. Identifiers: Orphanet 140162, MedGen C0027672, MeSH D009386, MONDO:0015356.

Submission:

Ambry Genetics
Classification: Uncertain significance for Hereditary cancer-predisposing syndrome. Last evaluated: 2026-07-07. Review status: criteria provided, single submitter. Criteria: Ambry Variant Classification Scheme 2023. Collection method: clinical testing. Allele origin: germline.
Comment: The p.D59Y variant (also known as c.175G>T), located in coding exon 3 of the SDHA gene, results from a G to T substitution at nucleotide position 175. The aspartic acid at codon 59 is replaced by tyrosine, an amino acid with highly dissimilar properties. This amino acid position is conserved. In addition, this alteration is predicted to be deleterious by in silico analysis. Based on the available evidence, the clinical significance of this variant remains unclear.